The following is an entry in ClinVar:

NC_000023.11:g.101841540G>C

Gene: NXF5 (nuclear RNA export factor 5; minus strand). Cytogenetic location: Xq22.1.
Variant type: single nucleotide variant.
Molecular consequence: non-coding transcript variant (on NR_028089.1).
Genome position: GRCh38 VCF-style: chrX-101841540-G-C. GRCh37 (hg19) VCF-style: chrX-101096512-G-C.
Identifiers: ClinVar variation 1934752 (VCV001934752.5), dbSNP rs201782084, ClinGen allele CA10474683.
Genomic context (GRCh38, chrX:101,841,540, plus strand): 5'-TTAGCATCTCCATTTGGCCTGGCTTCAACTTATTCTTCACAGAGTAGGGCGCAGTAAAAT[G>C]ACTGACAAATATACATATCTGCAGGAAGGCAGGGTGGTAAGTACCAGGACCTCCAATCCC-3'

ClinVar aggregate classification (germline): Uncertain significance (1 of 4 stars; one submission).

Allele frequency attached by ClinVar (database versions not stated): TOPMed below 0.00001; ExAC 0.00001; ESP Exome Variant Server 0.00009.

Submission:

Labcorp Genetics (formerly Invitae), Labcorp
Classification: Uncertain significance. Last evaluated: 2022-06-24. Review status: criteria provided, single submitter. Criteria: Invitae Variant Classification Sherloc (09022015). Collection method: clinical testing. Allele origin: germline.
Comment: This variant has not been reported in the literature in individuals affected with NXF5-related conditions. This variant is present in population databases (rs201782084, gnomAD 0.003%). This sequence change replaces histidine, which is basic and polar, with aspartic acid, which is acidic and polar, at codon 87 of the NXF5 protein (p.His87Asp). Algorithms developed to predict the effect of missense changes on protein structure and function (SIFT, PolyPhen-2, Align-GVGD) all suggest that this variant is likely to be tolerated. In summary, the available evidence is currently insufficient to determine the role of this variant in disease. Therefore, it has been classified as a Variant of Uncertain Significance.